The following is an entry in ClinVar:

NM_006206.6(PDGFRA):c.2002+5G>T

Gene: PDGFRA (platelet derived growth factor receptor alpha; plus strand). Cytogenetic location: 4q12.
Variant type: single nucleotide variant.
Coding change: c.2002+5G>T on transcript NM_006206.6 (MANE Select); 5 bases into the intron after coding-DNA position 2002, G replaced by T.
Molecular consequence: intron variant.
Genome position (GRCh38, 1-based): chr4:54,278,011, G>T. VCF-style: chr4-54278011-G-T. GRCh37 (hg19) VCF-style: chr4-55144178-G-T.
Other names: c.2002+5G>T (NM_006206.4, NM_001347827.2, NM_001347829.2); c.2077+5G>T (NM_001347828.2); c.2041+5G>T (NM_001347830.2).
Identifiers: ClinVar variation 2023760 (VCV002023760.5), dbSNP rs1723833621, ClinGen allele CA1062645004.

ClinVar aggregate classification (germline): Uncertain significance. Review status: criteria provided, multiple submitters, no conflicts (2 of 4 stars). 2 submissions from 2 submitters: Uncertain significance (2). Last evaluated 2025-07-10.

Conditions:
Hereditary cancer-predisposing syndrome. Also called: Tumor predisposition; Hereditary Cancer Syndrome; Hereditary neoplastic syndrome; Neoplastic Syndromes, Hereditary. Identifiers: Orphanet 140162, MedGen C0027672, MeSH D009386, MONDO:0015356.
Gastrointestinal stromal tumor. Also called: Gastrointestinal stroma tumor; Gastrointestinal stromal tumor, somatic. Identifiers: Orphanet 44890, MedGen C0238198, MeSH D046152, MONDO:0011719, OMIM 606764, HP:0100723.

Allele frequency attached by ClinVar (database versions not stated): TOPMed below 0.00001; gnomAD 0.00001.
gnomAD v4.1: 1 of 1,553,454 alleles (0.000064%); highest among the groups gnomAD compares: Non-Finnish European, 0.000089%; no homozygotes.

Submissions (2):

Ambry Genetics
Classification: Uncertain significance for Hereditary cancer-predisposing syndrome. Last evaluated: 2025-07-10. Review status: criteria provided, single submitter. Criteria: Ambry Variant Classification Scheme 2023. Collection method: clinical testing. Allele origin: germline.
Comment: The c.2002+5G>T intronic variant results from a G to T substitution 5 nucleotides after coding exon 13 in the PDGFRA gene. This nucleotide position is well conserved in available vertebrate species. In silico splice site analysis predicts that this alteration may weaken the native splice donor site. Based on the available evidence, the clinical significance of this variant remains unclear.

Labcorp Genetics (formerly Invitae), Labcorp
Classification: Uncertain significance for Gastrointestinal stromal tumor. Last evaluated: 2022-08-12. Review status: criteria provided, single submitter. Criteria: Invitae Variant Classification Sherloc (09022015). Collection method: clinical testing. Allele origin: germline.
Comment: This variant is not present in population databases (gnomAD no frequency). This variant has not been reported in the literature in individuals affected with PDGFRA-related conditions. Variants that disrupt the consensus splice site are a relatively common cause of aberrant splicing (PMID: 17576681, 9536098). Algorithms developed to predict the effect of sequence changes on RNA splicing suggest that this variant may disrupt the consensus splice site. In summary, the available evidence is currently insufficient to determine the role of this variant in disease. Therefore, it has been classified as a Variant of Uncertain Significance. This sequence change falls in intron 14 of the PDGFRA gene. It does not directly change the encoded amino acid sequence of the PDGFRA protein. It affects a nucleotide within the consensus splice site.

Literature cited by the submitters: PubMed 17576681 (cited by Labcorp Genetics (formerly Invitae), Labcorp); PubMed 9536098 (cited by Labcorp Genetics (formerly Invitae), Labcorp).